The following is an entry in ClinVar:

NM_007294.4(BRCA1):c.5195A>G (p.His1732Arg)

Gene: BRCA1 (BRCA1 DNA repair associated; minus strand). Cytogenetic location: 17q21.31.
Variant type: single nucleotide variant.
Coding change: c.5195A>G on transcript NM_007294.4 (MANE Select); coding-DNA position 5195, A replaced by G.
Protein change: p.His1732Arg; replaces histidine 1732 with arginine.
Molecular consequence: missense variant. On other transcripts: non-coding transcript variant (1).
Genome position (GRCh38, 1-based): chr17:43,057,134, T>C on the plus strand (A>G on the coding strand, the complement: BRCA1 is on the minus strand). VCF-style: chr17-43057134-T-C. GRCh37 (hg19) VCF-style: chr17-41209151-T-C.
Other names: c.1739A>G, p.His580Arg (NM_001408468.1, NM_001408469.1, NM_001408470.1); c.1883A>G, p.His628Arg (NM_001408472.1, NM_007298.4, NM_007299.4 and 13 more transcripts); c.1880A>G, p.His627Arg (NM_001408473.1, NM_001408392.1, NM_001408396.1 and 8 more transcripts); c.1685A>G, p.His562Arg (NM_001408474.1); c.1682A>G, p.His561Arg (NM_001408475.1, NM_001408476.1); c.1673A>G, p.His558Arg (NM_001408491.1, NM_001408481.1, NM_001408482.1 and 5 more transcripts); c.1670A>G, p.His557Arg (NM_001408492.1, NM_001408493.1); c.1646A>G, p.His549Arg (NM_001408494.1); and 72 more; short protein forms H1753R, H1685R, H628R, H1732R, H1578R, H1604R, H1605R, H1660R.
Identifiers: ClinVar variation 653572 (VCV000653572.14), dbSNP rs1597811076, ClinGen allele CA10591143.

ClinVar aggregate classification (germline): Conflicting classifications of pathogenicity. Review status: criteria provided, conflicting classifications (1 of 4 stars). 2 submissions from 2 submitters: Uncertain significance (1); Likely benign (1). Last evaluated 2024-09-30.

Conditions:
Hereditary breast ovarian cancer syndrome. Also called: Hereditary breast and ovarian cancer syndrome (HBOC); Hereditary breast and ovarian cancer; BRCA1- and BRCA2-Associated Hereditary Breast and Ovarian Cancer; Breast and ovarian cancer; Hereditary breast and ovarian cancer syndrome; Hereditary breast and/or ovarian cancer syndrome. Identifiers: Orphanet 145, MedGen C0677776, MeSH D061325, MONDO:0003582. Disease mechanism: loss of function.
Hereditary cancer-predisposing syndrome. Also called: Hereditary neoplastic syndrome; Tumor predisposition; Hereditary Cancer Syndrome; Neoplastic Syndromes, Hereditary. Identifiers: Orphanet 140162, MedGen C0027672, MeSH D009386, MONDO:0015356.

Allele frequency attached by ClinVar (database versions not stated): gnomAD exomes below 0.00001.
gnomAD v4.1: 2 of 1,613,904 alleles (0.00012%); highest among the groups gnomAD compares: Non-Finnish European, 0.00017%; no homozygotes.

Submissions (3):

Labcorp Genetics (formerly Invitae), Labcorp
Classification: Uncertain significance for Hereditary breast ovarian cancer syndrome. Last evaluated: 2024-09-30. Review status: criteria provided, single submitter. Criteria: Invitae Variant Classification Sherloc (09022015). Collection method: clinical testing. Allele origin: germline.
Comment: This sequence change replaces histidine, which is basic and polar, with arginine, which is basic and polar, at codon 1732 of the BRCA1 protein (p.His1732Arg). This variant is not present in population databases (gnomAD no frequency). This variant has not been reported in the literature in individuals affected with BRCA1-related conditions. ClinVar contains an entry for this variant (Variation ID: 653572). An algorithm developed to predict the effect of missense changes on protein structure and function outputs the following: PolyPhen-2: "Benign". The arginine amino acid residue is found in multiple mammalian species, which suggests that this missense change does not adversely affect protein function. In summary, the available evidence is currently insufficient to determine the role of this variant in disease. Therefore, it has been classified as a Variant of Uncertain Significance.

Ambry Genetics
Classification: Likely benign for Hereditary cancer-predisposing syndrome. Last evaluated: 2021-08-13. Review status: criteria provided, single submitter. Criteria: Ambry Variant Classification Scheme 2023. Collection method: clinical testing. Allele origin: germline.

Brotman Baty Institute, University of Washington
No classification provided (evidence only). Condition: Breast-ovarian cancer, familial 1. Review status: no classification provided. Collection method: in vitro. Allele origin: not applicable. Functional consequence: functionally_normal. Not counted in ClinVar's aggregate classification.
ClinVar note: "not provided" was previously submitted as the classification for the variant. However, the classification appeared to be based only on an observation of functional data so it was converted to no classification on 2025-07-30.

Literature cited by the submitters: PubMed 30209399 (cited by Ambry Genetics).